The following is an entry in ClinVar:

NM_020937.4(FANCM):c.3152T>C (p.Leu1051Ser)

Gene: FANCM (FA complementation group M; plus strand). Cytogenetic location: 14q21.2.
Variant type: single nucleotide variant.
Coding change: c.3152T>C on transcript NM_020937.4 (MANE Select); coding-DNA position 3152, T replaced by C.
Protein change: p.Leu1051Ser; replaces leucine 1051 with serine.
Molecular consequence: missense variant.
Genome position (GRCh38, 1-based): chr14:45,175,906, T>C. VCF-style: chr14-45175906-T-C. GRCh37 (hg19) VCF-style: chr14-45645109-T-C.
Other names: c.3074T>C, p.Leu1025Ser (NM_001308133.2); short protein forms L1025S, L1051S.
Identifiers: ClinVar variation 1004254 (VCV001004254.8), dbSNP rs1888655331, ClinGen allele CA389599992.

ClinVar aggregate classification (germline): Uncertain significance (1 of 4 stars; one submission).

Conditions:
Fanconi anemia (FA). Also called: Fanconi's anemia. Identifiers: Orphanet 84, MedGen C0015625, MeSH D005199, MONDO:0019391.

Submission:

Labcorp Genetics (formerly Invitae), Labcorp
Classification: Uncertain significance for Fanconi anemia. Last evaluated: 2020-07-20. Review status: criteria provided, single submitter. Criteria: Invitae Variant Classification Sherloc (09022015). Collection method: clinical testing. Allele origin: germline.
Comment: In summary, the available evidence is currently insufficient to determine the role of this variant in disease. Therefore, it has been classified as a Variant of Uncertain Significance. Algorithms developed to predict the effect of missense changes on protein structure and function output the following: SIFT: "Tolerated"; PolyPhen-2: "Benign"; Align-GVGD: "Class C0". The serine amino acid residue is found in multiple mammalian species, suggesting that this missense change does not adversely affect protein function. These predictions have not been confirmed by published functional studies and their clinical significance is uncertain. This variant has not been reported in the literature in individuals with FANCM-related conditions. This variant is not present in population databases (ExAC no frequency). This sequence change replaces leucine with serine at codon 1051 of the FANCM protein (p.Leu1051Ser). The leucine residue is weakly conserved and there is a large physicochemical difference between leucine and serine.